The following is an entry in ClinVar:

NM_024675.4(PALB2):c.3255G>T (p.Leu1085Phe)

Gene: PALB2 (partner and localizer of BRCA2; minus strand). Cytogenetic location: 16p12.2.
Variant type: single nucleotide variant.
Coding change: c.3255G>T on transcript NM_024675.4 (MANE Select); coding-DNA position 3255, G replaced by T.
Protein change: p.Leu1085Phe; replaces leucine 1085 with phenylalanine.
Molecular consequence: missense variant. On other transcripts: intron variant (8).
Genome position (GRCh38, 1-based): chr16:23,607,959, C>A on the plus strand (G>T on the coding strand, the complement: PALB2 is on the minus strand). VCF-style: chr16-23607959-C-A. GRCh37 (hg19) VCF-style: chr16-23619280-C-A.
Other names: c.3195G>T, p.Leu1065Phe (NM_001407296.1); c.3183G>T, p.Leu1061Phe (NM_001407297.1); c.3093G>T, p.Leu1031Phe (NM_001407298.1); c.2976G>T, p.Leu992Phe (NM_001407300.1); c.2370G>T, p.Leu790Phe (NM_001407304.1, NM_001407305.1, NM_001407306.1); c.2208G>T, p.Leu736Phe (NM_001407307.1); c.1467G>T, p.Leu489Phe (NM_001407312.1); c.789G>T, p.Leu263Phe (NM_001407314.1); and 6 more; short protein forms L1031F, L1085F, L1061F, L489F, L992F, L1065F, L736F, L790F.
Identifiers: ClinVar variation 2845318 (VCV002845318.3), dbSNP rs45486891, ClinGen allele CA395139794.
Genomic context (GRCh38, chr16:23,607,959, plus strand): 5'-CACACCCACGCTGAGAGTCGTCTTAGGGTTAATCACAATGAGCTGAAACACAGGGCTTCG[C>A]AACGACTCACTCTCTTTGGCACAGGGATGACTCAGGACAATAAAGAGAAGCCCCTAATTT-3'
Protein context (NP_078951.2, residues 1075-1095): SHPCAKESES[Leu1085Phe]RSPVFQLIVI

ClinVar aggregate classification (germline): Uncertain significance (1 of 4 stars; one submission).

Conditions:
Familial cancer of breast. Also called: hereditary breast carcinoma; BREAST CANCER, FAMILIAL; Hereditary breast cancer. Identifiers: Orphanet 227535, MedGen C0346153, MONDO:0016419, OMIM 114480. Disease mechanism: loss of function.

Submission:

Labcorp Genetics (formerly Invitae), Labcorp
Classification: Uncertain significance for Familial cancer of breast. Last evaluated: 2025-04-17. Review status: criteria provided, single submitter. Criteria: Invitae Variant Classification Sherloc (09022015). Collection method: clinical testing. Allele origin: germline.
Comment: This sequence change replaces leucine, which is neutral and non-polar, with phenylalanine, which is neutral and non-polar, at codon 1085 of the PALB2 protein (p.Leu1085Phe). This variant is not present in population databases (gnomAD no frequency). This variant has not been reported in the literature in individuals affected with PALB2-related conditions. ClinVar contains an entry for this variant (Variation ID: 2845318). An algorithm developed to predict the effect of missense changes on protein structure and function outputs the following: PolyPhen-2: "Benign". The phenylalanine amino acid residue is found in multiple mammalian species, which suggests that this missense change does not adversely affect protein function. In summary, the available evidence is currently insufficient to determine the role of this variant in disease. Therefore, it has been classified as a Variant of Uncertain Significance.